The following is an entry in ClinVar:

NM_001923.5(DDB1):c.878_879delinsTT (p.Gly293Val)

Gene: DDB1 (damage specific DNA binding protein 1; minus strand). Cytogenetic location: 11q12.2.
Variant type: Indel.
Coding change: c.878_879delinsTT on transcript NM_001923.5 (MANE Select); coding-DNA positions 878 to 879, GC replaced by TT.
Protein change: p.Gly293Val; replaces glycine 293 with valine.
Molecular consequence: missense variant.
Genome position (GRCh38, 1-based): chr11:61,324,021-61,324,022, GC replaced by AA on the plus strand (GC replaced by TT on the coding strand, the reverse complement: DDB1 is on the minus strand). VCF-style: chr11-61324021-GC-AA. GRCh37 (hg19) VCF-style: chr11-61091493-GC-AA.
Other names: c.878_879delGCinsTT, p.Gly293Val (NM_001923.4); short protein forms G293V.
Identifiers: ClinVar variation 5017423 (VCV005017423.1).
Genomic context (GRCh38, chr11:61,324,021, plus strand): 5'-AGGGAGAACAAGCTCTACCTCTCCAAGGAGTTCTACACGGAGATCCTTGAGAGTGACGGT[GC>AA]CATCCATCTGTTCCTCCTTCTCCAAAAGCAGCATGAAGAGCCGGCCTTCCATGTCTCCCA-3'
Protein context (NP_001914.3, residues 283-303): LLLEKEEQMD[Gly293Val]TVTLKDLRVE

ClinVar aggregate classification (germline): Uncertain significance (1 of 4 stars; one submission).

Submission:

GeneDx
Classification: Uncertain significance. Last evaluated: 2026-03-25. Review status: criteria provided, single submitter. Criteria: GeneDx Variant Classification Process June 2021. Collection method: clinical testing. Allele origin: germline.
Comment: Not observed at significant frequency in large population cohorts (gnomAD); In silico analysis supports a deleterious effect on protein structure/function; Has not been previously published as pathogenic or benign to our knowledge